The following is an entry in ClinVar:

ClinVar aggregate classification (germline): Uncertain significance (1 of 4 stars; one submission).

Conditions:
Combined oxidative phosphorylation deficiency 51. Identifiers: MedGen C5436703, MONDO:0033631, OMIM 619057.

Allele frequency attached by ClinVar (database versions not stated): TOPMed below 0.00001; gnomAD 0.00001.
gnomAD v4.1: 1 of 1,608,558 alleles (0.000062%); highest among the groups gnomAD compares: Admixed American, 0.0017%; no homozygotes.

Submission:

Breda Genetics srl
Classification: Uncertain significance for Combined oxidative phosphorylation deficiency 51. Last evaluated: 2021-11-09. Review status: criteria provided, single submitter. Criteria: ACMG Guidelines, 2015. Collection method: clinical testing. Allele origin: germline. Inheritance: Autosomal recessive inheritance. Affected: yes.
Comment: Based on allele frequency, in-silico prediction scores and a certain overlap with the clinical phenotype, we interpreted this variant at least as of uncertain significance. The lack of one or more of the following features has discouraged further investigations: lack of a possible second hit in autosomal recessive conditions, presence of healthy controls in databases for autosomal dominant conditions, presence of unmatching cardinal clinical features in the patient or in the known gene-disease association, and/or variant type outside the known gene mutational spectrum.

NM_017952.6(PTCD3):c.1551A>C (p.Lys517Asn)

Gene: PTCD3 (pentatricopeptide repeat domain 3; plus strand). Cytogenetic location: 2p11.2.
Variant type: single nucleotide variant.
Coding change: c.1551A>C on transcript NM_017952.6 (MANE Select); coding-DNA position 1551, A replaced by C.
Protein change: p.Lys517Asn; replaces lysine 517 with asparagine.
Molecular consequence: missense variant.
Genome position (GRCh38, 1-based): chr2:86,134,299, A>C. VCF-style: chr2-86134299-A-C. GRCh37 (hg19) VCF-style: chr2-86361422-A-C.
Other names: short protein forms K517N.
Identifiers: ClinVar variation 1711867 (VCV001711867.1), dbSNP rs1674541838, ClinGen allele CA347549366.
Genomic context (GRCh38, chr2:86,134,299, plus strand): 5'-GTGTGTTGGTTTTACATAACAATGATCACTCCTTGTTCCTTTCTTGTTTCAAGATAGTAA[A>C]GAATATGGTCATACTTTCCGCAGTGACCTGAGAGAAGAGATCCTGATGCTCATGGCAAGG-3'
Protein context (NP_060422.4, residues 507-527): EVIPKIWKDS[Lys517Asn]EYGHTFRSDL